The following is an entry in ClinVar:

ClinVar aggregate classification (germline): Uncertain significance (1 of 4 stars; one submission).

Conditions:
Cholestanol storage disease (CTX). Also called: Cerebrotendinous Xanthomatosis; CTX: Cerebrotendinous xanthomatosis; CEREBRAL CHOLESTERINOSIS. Identifiers: Orphanet 909, MedGen C0238052, MONDO:0008948, OMIM 213700.

Allele frequency attached by ClinVar (database versions not stated): gnomAD exomes 0.00001 and 0.00002; TOPMed 0.00001; ExAC 0.00002; gnomAD 0.00003.
gnomAD v4.1: 14 of 1,614,028 alleles (0.00087%); highest among the groups gnomAD compares: Middle Eastern, 0.016%; no homozygotes.

Submission:

Labcorp Genetics (formerly Invitae), Labcorp
Classification: Uncertain significance for Cholestanol storage disease. Last evaluated: 2021-10-12. Review status: criteria provided, single submitter. Criteria: Invitae Variant Classification Sherloc (09022015). Collection method: clinical testing. Allele origin: germline.
Comment: This sequence change replaces arginine with histidine at codon 158 of the CYP27A1 protein (p.Arg158His). The arginine residue is highly conserved and there is a small physicochemical difference between arginine and histidine. This variant is present in population databases (rs761927223, ExAC 0.009%). This variant has not been reported in the literature in individuals affected with CYP27A1-related conditions. Algorithms developed to predict the effect of missense changes on protein structure and function are either unavailable or do not agree on the potential impact of this missense change (SIFT: "Deleterious"; PolyPhen-2: "Probably Damaging"; Align-GVGD: "Class C0"). In summary, the available evidence is currently insufficient to determine the role of this variant in disease. Therefore, it has been classified as a Variant of Uncertain Significance.

NM_000784.4(CYP27A1):c.473G>A (p.Arg158His)

Gene: CYP27A1 (cytochrome P450 family 27 subfamily A member 1; plus strand). Cytogenetic location: 2q35.
Variant type: single nucleotide variant.
Coding change: c.473G>A on transcript NM_000784.4 (MANE Select); coding-DNA position 473, G replaced by A.
Protein change: p.Arg158His; replaces arginine 158 with histidine.
Molecular consequence: missense variant.
Genome position (GRCh38, 1-based): chr2:218,812,248, G>A. VCF-style: chr2-218812248-G-A. GRCh37 (hg19) VCF-style: chr2-219676971-G-A.
Other names: short protein forms R158H.
Identifiers: ClinVar variation 1345687 (VCV001345687.3), dbSNP rs761927223, ClinGen allele CA2112620.